The following is an entry in ClinVar:

NM_032043.3(BRIP1):c.1807A>G (p.Ile603Val)

Gene: BRIP1 (BRCA1 interacting DNA helicase 1; minus strand). Cytogenetic location: 17q23.2.
Variant type: single nucleotide variant.
Coding change: c.1807A>G on transcript NM_032043.3 (MANE Select); coding-DNA position 1807, A replaced by G.
Protein change: p.Ile603Val; replaces isoleucine 603 with valine.
Molecular consequence: missense variant.
Genome position (GRCh38, 1-based): chr17:61,780,389, T>C on the plus strand (A>G on the coding strand, the complement: BRIP1 is on the minus strand). VCF-style: chr17-61780389-T-C. GRCh37 (hg19) VCF-style: chr17-59857750-T-C.
Other names: short protein forms I603V.
Identifiers: ClinVar variation 4783563 (VCV004783563.1).
Genomic context (GRCh38, chr17:61,780,389, plus strand): 5'-AGGATTTCATTGGTGATAATGTACCAGATGTCAAAACAATGGTCTGAACTTTGCCATTAA[T>C]ATCTGAAAAGGCCTAAAAGAAAACAACATTAGATAAATAAAATTATCTTTAGAAGAGGCT-3'
Protein context (NP_114432.2, residues 593-613): CLNPAVAFSD[Ile603Val]NGKVQTIVLT

ClinVar aggregate classification (germline): Uncertain significance (1 of 4 stars; one submission).

Conditions:
Fanconi anemia complementation group J. Also called: BRIP1-Related Fanconi Anemia. Identifiers: Orphanet 84, MedGen C1836860, MONDO:0012187, OMIM 609054.
Familial cancer of breast. Also called: Hereditary breast cancer; hereditary breast carcinoma; BREAST CANCER, FAMILIAL. Identifiers: Orphanet 227535, MedGen C0346153, MONDO:0016419, OMIM 114480. Disease mechanism: loss of function.

Submission:

Labcorp Genetics (formerly Invitae), Labcorp
Classification: Uncertain significance for Familial cancer of breast; Fanconi anemia complementation group J. Last evaluated: 2025-10-18. Review status: criteria provided, single submitter. Criteria: Invitae Variant Classification Sherloc (09022015). Collection method: clinical testing. Allele origin: germline.
Comment: This sequence change replaces isoleucine, which is neutral and non-polar, with valine, which is neutral and non-polar, at codon 603 of the BRIP1 protein (p.Ile603Val). This variant is not present in population databases (gnomAD no frequency). This variant has not been reported in the literature in individuals affected with BRIP1-related conditions. Invitae Evidence Modeling of protein sequence and biophysical properties (such as structural, functional, and spatial information, amino acid conservation, physicochemical variation, residue mobility, and thermodynamic stability) indicates that this missense variant is not expected to disrupt BRIP1 protein function with a negative predictive value of 95%. In summary, the available evidence is currently insufficient to determine the role of this variant in disease. Therefore, it has been classified as a Variant of Uncertain Significance.